The following is an entry in ClinVar:

ClinVar aggregate classification (germline): Uncertain significance (1 of 4 stars; one submission).

Allele frequency attached by ClinVar (database versions not stated): gnomAD exomes 0.00004; ExAC 0.00002; gnomAD 0.00002; TOPMed 0.00004.
gnomAD v4.1: 13 of 1,613,514 alleles (0.00081%); highest among the groups gnomAD compares: East Asian, 0.029%; no homozygotes.

Submission:

Labcorp Genetics (formerly Invitae), Labcorp
Classification: Uncertain significance. Last evaluated: 2022-10-18. Review status: criteria provided, single submitter. Criteria: Invitae Variant Classification Sherloc (09022015). Collection method: clinical testing. Allele origin: germline.
Comment: This sequence change falls in intron 45 of the LRP2 gene. It does not directly change the encoded amino acid sequence of the LRP2 protein. It affects a nucleotide within the consensus splice site. This variant is present in population databases (rs754399579, gnomAD 0.06%). This variant has not been reported in the literature in individuals affected with LRP2-related conditions. ClinVar contains an entry for this variant (Variation ID: 1430794). Variants that disrupt the consensus splice site are a relatively common cause of aberrant splicing (PMID: 17576681, 9536098). Algorithms developed to predict the effect of sequence changes on RNA splicing suggest that this variant is not likely to affect RNA splicing. In summary, the available evidence is currently insufficient to determine the role of this variant in disease. Therefore, it has been classified as a Variant of Uncertain Significance.

Literature cited by the submitters: PubMed 17576681; PubMed 9536098.

NM_004525.3(LRP2):c.8579-3C>T

Gene: LRP2 (LDL receptor related protein 2; minus strand). Cytogenetic location: 2q31.1.
Variant type: single nucleotide variant.
Coding change: c.8579-3C>T on transcript NM_004525.3 (MANE Select); 3 bases into the intron before coding-DNA position 8579, C replaced by T.
Molecular consequence: intron variant.
Genome position (GRCh38, 1-based): chr2:169,197,033, G>A on the plus strand (C>T on the coding strand, the complement: LRP2 is on the minus strand). VCF-style: chr2-169197033-G-A. GRCh37 (hg19) VCF-style: chr2-170053543-G-A.
Identifiers: ClinVar variation 1430794 (VCV001430794.3), dbSNP rs754399579, ClinGen allele CA1953809.